The following is an entry in ClinVar:

NM_024675.4(PALB2):c.33dup (p.Glu12Ter)

Gene: PALB2 (partner and localizer of BRCA2; minus strand). Cytogenetic location: 16p12.2.
Variant type: Duplication.
Coding change: c.33dup on transcript NM_024675.4 (MANE Select); coding-DNA position 33, one base duplicated (T; older notation c.33dupT).
Protein change: p.Glu12Ter; replaces glutamic acid 12 with a stop codon.
Molecular consequence: nonsense. On other transcripts: 5 prime UTR variant (8), splice donor variant (2).
Genome position (GRCh38, 1-based): chr16:23,641,125, A duplicated on the plus strand (T on the coding strand, the reverse complement: PALB2 is on the minus strand). VCF-style (leftmost placement, unchanged base first): chr16-23641124-C-CA. GRCh37 (hg19) VCF-style: chr16-23652445-C-CA.
Other names: c.33dup, p.Glu12Ter (NM_001407296.1, NM_001407297.1, NM_001407298.1 and 5 more transcripts); c.-1711dup (NM_001407304.1, NM_001407310.1); c.-987dup (NM_001407305.1, NM_001407307.1, NM_001407309.1 and 1 more transcripts); c.-120dup (NM_001407312.1, NM_001407313.1); c.-838+2dup (NM_001407308.1, NM_001407306.1); short protein forms E12*.
Identifiers: ClinVar variation 4071371 (VCV004071371.1).

ClinVar aggregate classification (germline): Pathogenic (1 of 4 stars; one submission).

Conditions:
Familial cancer of breast. Also called: hereditary breast carcinoma; BREAST CANCER, FAMILIAL; Hereditary breast cancer. Identifiers: Orphanet 227535, MedGen C0346153, MONDO:0016419, OMIM 114480. Disease mechanism: loss of function.

Submission:

Myriad Genetics, Inc.
Classification: Pathogenic for Familial cancer of breast. Last evaluated: 2025-04-16. Review status: criteria provided, single submitter. Criteria: Myriad Autosomal Dominant, Autosomal Recessive and X-Linked Classification Criteria (2023). Collection method: clinical testing. Allele origin: unknown.
Comment: This variant is considered pathogenic. This variant creates a termination codon and is predicted to result in premature protein truncation.